The following is an entry in ClinVar:

NM_198576.4(AGRN):c.3065_3066inv (p.Ser1022Leu)

Gene: AGRN (agrin; plus strand). Cytogenetic location: 1p36.33.
Variant type: Inversion.
Coding change: c.3065_3066inv on transcript NM_198576.4 (MANE Select).
Protein change: p.Ser1022Leu; replaces serine 1022 with leucine.
Molecular consequence: missense variant.
Genome position: GRCh38 VCF-style: chr1-1046550-CA-TG. GRCh37 (hg19) VCF-style: chr1-981930-CA-TG.
Other names: c.3065_3066inv, p.Ser1022Leu (NM_001305275.2); c.2750_2751inv, p.Ser917Leu (NM_001364727.2); short protein forms S1022L, S917L.
Identifiers: ClinVar variation 1386230 (VCV001386230.3), ClinGen allele CA2573130478.
Genomic context (GRCh38, chr1:1,046,550, plus strand): 5'-GCGCCCTCCCCCTGGCTCCCAGCAGTACCGCACACAGCCAGACCACCCCTCCGCCCTCAT[CA>TG]CGACCTCGGACCACTGCCAGCGTCCCCAGGACCACCGTGTGGCCCGTGCTGACGGTGCCC-3'
Protein context (NP_940978.2, residues 1012-1032): AHSQTTPPPS[Ser1022Leu]RPRTTASVPR

ClinVar aggregate classification (germline): Uncertain significance (1 of 4 stars; one submission).

Conditions:
Congenital myasthenic syndrome 8. Also called: Myasthenic syndrome, congenital, 8, with pre- and postsynaptic defects; MYASTHENIC SYNDROME, CONGENITAL, DUE TO AGRIN DEFICIENCY. Identifiers: Orphanet 590, MedGen C3808739, MONDO:0014052, OMIM 615120.

Submission:

Labcorp Genetics (formerly Invitae), Labcorp
Classification: Uncertain significance for Congenital myasthenic syndrome 8. Last evaluated: 2023-08-17. Review status: criteria provided, single submitter. Criteria: Invitae Variant Classification Sherloc (09022015). Collection method: clinical testing. Allele origin: germline.
Comment: This sequence change replaces serine, which is neutral and polar, with leucine, which is neutral and non-polar, at codon 1022 of the AGRN protein (p.Ser1022Leu). This variant is present in population databases (no rsID available, gnomAD 0.003%). This variant has not been reported in the literature in individuals affected with AGRN-related conditions. ClinVar contains an entry for this variant (Variation ID: 1386230). An algorithm developed to predict the effect of missense changes on protein structure and function (PolyPhen-2) suggests that this variant¬†is likely to be tolerated. In summary, the available evidence is currently insufficient to determine the role of this variant in disease. Therefore, it has been classified as a Variant of Uncertain Significance.